The following is an entry in ClinVar:

NM_001286445.3(RIPOR2):c.697T>A (p.Phe233Ile)

Gene: RIPOR2 (RHO family interacting cell polarization regulator 2; minus strand). Cytogenetic location: 6p22.3.
Variant type: single nucleotide variant.
Coding change: c.697T>A on transcript NM_001286445.3 (MANE Select); coding-DNA position 697, T replaced by A.
Protein change: p.Phe233Ile; replaces phenylalanine 233 with isoleucine.
Molecular consequence: missense variant.
Genome position (GRCh38, 1-based): chr6:24,860,991, A>T on the plus strand (T>A on the coding strand, the complement: RIPOR2 is on the minus strand). VCF-style: chr6-24860991-A-T. GRCh37 (hg19) VCF-style: chr6-24861219-A-T.
Other names: c.712T>A, p.Phe238Ile (NM_001286446.3); c.610T>A, p.Phe204Ile (NM_001286447.2, NM_001346031.2, NM_001346032.2 and 2 more transcripts); short protein forms F204I, F233I, F238I.
Identifiers: ClinVar variation 2968687 (VCV002968687.4), dbSNP rs752660422, ClinGen allele CA3659468.

ClinVar aggregate classification (germline): Uncertain significance. Review status: criteria provided, multiple submitters, no conflicts (2 of 4 stars). 2 submissions from 2 submitters: Uncertain significance (2). Last evaluated 2023-04-16.

Allele frequency attached by ClinVar (database versions not stated): gnomAD exomes 0.00002; TOPMed 0.00002; gnomAD 0.00003; ExAC 0.00004.
gnomAD v4.1: 30 of 1,607,994 alleles (0.0019%); highest among the groups gnomAD compares: Admixed American, 0.0017%; no homozygotes.

Submissions (2):

Labcorp Genetics (formerly Invitae), Labcorp
Classification: Uncertain significance. Last evaluated: 2023-04-16. Review status: criteria provided, single submitter. Criteria: Invitae Variant Classification Sherloc (09022015). Collection method: clinical testing. Allele origin: germline.
Comment: In summary, the available evidence is currently insufficient to determine the role of this variant in disease. Therefore, it has been classified as a Variant of Uncertain Significance. An algorithm developed to predict the effect of missense changes on protein structure and function (PolyPhen-2) suggests that this variant is likely to be disruptive. This variant has not been reported in the literature in individuals affected with FAM65B-related conditions. This variant is present in population databases (rs752660422, gnomAD 0.07%), and has an allele count higher than expected for a pathogenic variant. This sequence change replaces phenylalanine, which is neutral and non-polar, with isoleucine, which is neutral and non-polar, at codon 204 of the FAM65B protein (p.Phe204Ile).

Blueprint Genetics
Classification: Uncertain significance. Last evaluated: 2022-04-28. Review status: criteria provided, single submitter. Criteria: ACMG Guidelines, 2015. Collection method: clinical testing. Allele origin: germline.